The following is an entry in ClinVar:

NM_014000.3(VCL):c.314G>A (p.Arg105Gln)

Gene: VCL (vinculin; plus strand). Cytogenetic location: 10q22.2.
Variant type: single nucleotide variant.
Coding change: c.314G>A on transcript NM_014000.3 (MANE Select); coding-DNA position 314, G replaced by A.
Protein change: p.Arg105Gln; replaces arginine 105 with glutamine.
Molecular consequence: missense variant.
Genome position (GRCh38, 1-based): chr10:74,070,744, G>A. VCF-style: chr10-74070744-G-A. GRCh37 (hg19) VCF-style: chr10-75830502-G-A.
Other names: c.314G>A, p.Arg105Gln (NM_003373.4); short protein forms R105Q.
Identifiers: ClinVar variation 1519890 (VCV001519890.6), dbSNP rs2136272720, ClinGen allele CA377265909.
Genomic context (GRCh38, chr10:74,070,744, plus strand): 5'-GCACCAAGCTTGTCCAGGCAGCTCAGATGCTTCAGTCAGACCCTTACTCAGTGCCTGCTC[G>A]AGATTATCTAATTGATGGGTCAAGGGGCATCCTCTCTGGAACATCAGACCTGCTCCTTAC-3'
Protein context (NP_054706.1, residues 95-115): LQSDPYSVPA[Arg105Gln]DYLIDGSRGI

ClinVar aggregate classification (germline): Uncertain significance (1 of 4 stars; one submission).

Conditions:
Dilated cardiomyopathy 1W (CMD1W). Identifiers: Orphanet 154, MedGen C1969639, MONDO:0012667, OMIM 611407.

Allele frequency attached by ClinVar (database versions not stated): gnomAD exomes below 0.00001.
gnomAD v4.1: 3 of 1,614,116 alleles (0.00019%); highest among the groups gnomAD compares: Non-Finnish European, 0.00025%; no homozygotes.

Submission:

Labcorp Genetics (formerly Invitae), Labcorp
Classification: Uncertain significance for Dilated cardiomyopathy 1W. Last evaluated: 2025-12-26. Review status: criteria provided, single submitter. Criteria: Invitae Variant Classification Sherloc (09022015). Collection method: clinical testing. Allele origin: germline.
Comment: This sequence change replaces arginine, which is basic and polar, with glutamine, which is neutral and polar, at codon 105 of the VCL protein (p.Arg105Gln). This variant is not present in population databases (gnomAD no frequency). This missense change has been observed in individual(s) with clinical features of dilated cardiomyopathy (PMID: 20474083). ClinVar contains an entry for this variant (Variation ID: 1519890). An algorithm developed to predict the effect of missense changes on protein structure and function (PolyPhen-2) suggests that this variant is likely to be disruptive. In summary, the available evidence is currently insufficient to determine the role of this variant in disease. Therefore, it has been classified as a Variant of Uncertain Significance.

Literature cited by the submitters: PubMed 20474083.